The following is an entry in ClinVar:

NM_001271.4(CHD2):c.188A>G (p.Gln63Arg)

Gene: CHD2 (chromodomain helicase DNA binding protein 2; plus strand). Cytogenetic location: 15q26.1.
Variant type: single nucleotide variant.
Coding change: c.188A>G on transcript NM_001271.4 (MANE Select); coding-DNA position 188, A replaced by G.
Protein change: p.Gln63Arg; replaces glutamine 63 with arginine.
Molecular consequence: missense variant.
Genome position (GRCh38, 1-based): chr15:92,924,446, A>G. VCF-style: chr15-92924446-A-G. GRCh37 (hg19) VCF-style: chr15-93467676-A-G.
Other names: c.188A>G, p.Gln63Arg (NM_001042572.3); short protein forms Q63R.
Identifiers: ClinVar variation 3630135 (VCV003630135.2).

ClinVar aggregate classification (germline): Uncertain significance (1 of 4 stars; one submission).

Conditions:
Developmental and epileptic encephalopathy 94 (DEE94). Also called: Epileptic encephalopathy, childhood-onset; CHD2-Related Neurodevelopmental Disorders. Identifiers: Orphanet 1942, Orphanet 2382, MedGen C3809278, MONDO:0014150, OMIM 615369.

Submission:

Labcorp Genetics (formerly Invitae), Labcorp
Classification: Uncertain significance for Developmental and epileptic encephalopathy 94. Last evaluated: 2024-12-22. Review status: criteria provided, single submitter. Criteria: Invitae Variant Classification Sherloc (09022015). Collection method: clinical testing. Allele origin: germline.
Comment: This sequence change replaces glutamine, which is neutral and polar, with arginine, which is basic and polar, at codon 63 of the CHD2 protein (p.Gln63Arg). This variant is not present in population databases (gnomAD no frequency). This variant has not been reported in the literature in individuals affected with CHD2-related conditions. Invitae Evidence Modeling of protein sequence and biophysical properties (such as structural, functional, and spatial information, amino acid conservation, physicochemical variation, residue mobility, and thermodynamic stability) indicates that this missense variant is not expected to disrupt CHD2 protein function with a negative predictive value of 95%. In summary, the available evidence is currently insufficient to determine the role of this variant in disease. Therefore, it has been classified as a Variant of Uncertain Significance.